The following is an entry in ClinVar:

NM_000180.4(GUCY2D):c.2515A>C (p.Thr839Pro)

Gene: GUCY2D (guanylate cyclase 2D, retinal; plus strand). Cytogenetic location: 17p13.1.
Variant type: single nucleotide variant.
Coding change: c.2515A>C on transcript NM_000180.4 (MANE Select); coding-DNA position 2515, A replaced by C.
Protein change: p.Thr839Pro; replaces threonine 839 with proline.
Molecular consequence: missense variant.
Genome position (GRCh38, 1-based): chr17:8,014,703, A>C. VCF-style: chr17-8014703-A-C. GRCh37 (hg19) VCF-style: chr17-7918021-A-C.
Other names: short protein forms T839P.
Identifiers: ClinVar variation 2954409 (VCV002954409.3), dbSNP rs776073853, ClinGen allele CA397953622.

ClinVar aggregate classification (germline): Uncertain significance (1 of 4 stars; one submission).

Conditions:
Cone-rod dystrophy 6 (CORD6). Also called: RETINAL CONE DYSTROPHY 2; Cone dystrophy progressive. Identifiers: Orphanet 1872, MedGen C1866293, MONDO:0011143, OMIM 601777.
Leber congenital amaurosis 1 (LCA1). Also called: RETINAL BLINDNESS, CONGENITAL; Congenital absence of the rods and cones; Leber's congenital tapetoretinal degeneration; Leber's congenital tapetoretinal dysplasia; AMAUROSIS CONGENITA OF LEBER I. Identifiers: Orphanet 65, MedGen C2931258, MONDO:0008764, OMIM 204000.

Submission:

Labcorp Genetics (formerly Invitae), Labcorp
Classification: Uncertain significance for Leber congenital amaurosis 1; Cone-rod dystrophy 6. Last evaluated: 2023-12-03. Review status: criteria provided, single submitter. Criteria: Invitae Variant Classification Sherloc (09022015). Collection method: clinical testing. Allele origin: germline.
Comment: This sequence change replaces threonine, which is neutral and polar, with proline, which is neutral and non-polar, at codon 839 of the GUCY2D protein (p.Thr839Pro). This variant is not present in population databases (gnomAD no frequency). This variant has not been reported in the literature in individuals affected with GUCY2D-related conditions. Advanced modeling of protein sequence and biophysical properties (such as structural, functional, and spatial information, amino acid conservation, physicochemical variation, residue mobility, and thermodynamic stability) has been performed at Invitae for this missense variant, however the output from this modeling did not meet the statistical confidence thresholds required to predict the impact of this variant on GUCY2D protein function. In summary, the available evidence is currently insufficient to determine the role of this variant in disease. Therefore, it has been classified as a Variant of Uncertain Significance.